The following is an entry in ClinVar:

ClinVar aggregate classification (germline): Likely benign (1 of 4 stars; one submission).

Allele frequency attached by ClinVar (database versions not stated): 1000 Genomes Project 0.00220; 1000 Genomes Project 30x 0.00250; TOPMed 0.00330; gnomAD 0.00348; ESP Exome Variant Server 0.00408; ExAC 0.00459.
gnomAD v4.1: 6,704 of 1,595,492 alleles (0.42%); highest among the groups gnomAD compares: Non-Finnish European, 0.51%; 29 homozygotes.

Submission:

CeGaT Center for Human Genetics Tuebingen
Classification: Likely benign. Last evaluated: 2022-10-01. Review status: criteria provided, single submitter. Criteria: CeGaT Center For Human Genetics Tuebingen Variant Classification Criteria Version 2. Collection method: clinical testing. Allele origin: germline. Affected: yes. Observed: 1 variant allele.
Comment: RCN3: BP4, BP7

NM_020650.3(RCN3):c.504C>T (p.Asp168=)

Gene: RCN3 (reticulocalbin 3; plus strand). Cytogenetic location: 19q13.33.
Variant type: single nucleotide variant.
Coding change: c.504C>T on transcript NM_020650.3 (MANE Select); coding-DNA position 504, C replaced by T.
Protein change: p.Asp168=; no amino-acid change (aspartic acid 168 retained).
Molecular consequence: synonymous variant.
Genome position (GRCh38, 1-based): chr19:49,537,091, C>T. VCF-style: chr19-49537091-C-T. GRCh37 (hg19) VCF-style: chr19-50040348-C-T.
Identifiers: ClinVar variation 2650250 (VCV002650250.24), dbSNP rs141528253, ClinGen allele CA9576612.